The following is an entry in ClinVar:

ClinVar aggregate classification (germline): Benign. Review status: criteria provided, multiple submitters, no conflicts (2 of 4 stars). 8 submissions from 8 submitters: Benign (8). Last evaluated 2026-02-01.

Conditions:
Cardiovascular phenotype. Identifiers: MedGen CN230736.
Holt-Oram syndrome (HOS). Also called: TBX5-Related Holt-Oram Syndrome; Ventriculo-radial syndrome; Cardiac-limb syndrome; Heart-hand syndrome, type 1. Identifiers: Orphanet 392, MedGen C0265264, MONDO:0007732, OMIM 142900.
Aortic valve disease 2 (AOVD2). Identifiers: MedGen C3542024, MONDO:0013902, OMIM 614823.

Allele frequency attached by ClinVar (database versions not stated): ExAC 0.00545; gnomAD 0.01645 and 0.01766; 1000 Genomes Project 0.01717; 1000 Genomes Project 30x 0.01811; TOPMed 0.01897; ESP Exome Variant Server 0.02068; gnomAD exomes 0.00155 and 0.00437.
gnomAD v4.1: 4,865 of 1,614,076 alleles (0.3%); highest among the groups gnomAD compares: African/African-American, 5.7%; 117 homozygotes.

Submissions (8):

Labcorp Genetics (formerly Invitae), Labcorp
Classification: Benign for Aortic valve disease 2. Last evaluated: 2026-02-01. Review status: criteria provided, single submitter. Criteria: Invitae Variant Classification Sherloc (09022015). Collection method: clinical testing. Allele origin: germline.

Molecular Diagnostic Laboratory for Inherited Cardiovascular Disease, Montreal Heart Institute
Classification: Benign. Last evaluated: 2025-04-09. Review status: criteria provided, single submitter. Criteria: ACMG Guidelines, 2015. Collection method: clinical testing. Allele origin: germline. Affected: no.

Illumina Laboratory Services, Illumina
Classification: Benign for Holt-Oram syndrome. Last evaluated: 2018-01-13. Review status: criteria provided, single submitter. Criteria: ICSL Variant Classification Criteria 13 December 2019. Collection method: clinical testing. Allele origin: germline.
Comment: This variant was observed in the ICSL laboratory as part of a predisposition screen in an ostensibly healthy population. It had not been previously curated by ICSL or reported in the Human Gene Mutation Database (HGMD: prior to June 1st, 2018), and was therefore a candidate for classification through an automated scoring system. Utilizing variant allele frequency, disease prevalence and penetrance estimates, and inheritance mode, an automated score was calculated to assess if this variant is too frequent to cause the disease. Based on the score and internal cut-off values, a variant classified as benign is not then subjected to further curation. The score for this variant resulted in a classification of benign for this disease.

Women's Health and Genetics/Laboratory Corporation of America, LabCorp
Classification: Benign. Last evaluated: 2017-02-13. Review status: criteria provided, single submitter. Criteria: LabCorp Variant Classification Summary - May 2015. Collection method: clinical testing. Allele origin: germline.
Comment: Variant summary: The c.1281C>T (p.Ser427=) in TBX5 gene is a synonymous change that involves a non-conserved nucleotide. 5/5 programs in Alamut predict that this variant does not affect normal splicing, however no functional studies supporting this notion were published at the time of evaluation. The variant is present in the control population dataset of ExAC at frequency of 0.00545 (652/119626 chrs tested), predominantly in individuals of African origin (0.06092; 612/ 10046 chrs), including 17 homozygotes. The observed frequency exceeds the maximum expected allele frequency for a pathogenic variant in this gene (0.0000013), suggesting that it is a benign polymorphism. The variant of interest has been cited as Benign by several reputable databases/clinical laboratories. Taking together, the variant was classified as Benign.

Ambry Genetics
Classification: Benign for Cardiovascular phenotype. Last evaluated: 2015-08-04. Review status: criteria provided, single submitter. Criteria: Ambry Variant Classification Scheme 2023. Collection method: clinical testing. Allele origin: germline.

GeneDx
Classification: Benign. Last evaluated: 2015-03-03. Review status: criteria provided, single submitter. Criteria: GeneDx Variant Classification Process June 2021. Collection method: clinical testing. Allele origin: germline. Affected: yes.

Breakthrough Genomics
Classification: Benign. Review status: criteria provided, single submitter. Criteria: ACMG Guidelines, 2015. Collection method: not provided. Allele origin: germline. Inheritance: Autosomal dominant inheritance. Affected: yes.

PreventionGenetics, part of Exact Sciences
Classification: Benign. Review status: criteria provided, single submitter. Criteria: ACMG Guidelines, 2015. Collection method: clinical testing. Allele origin: germline.

NM_181486.4(TBX5):c.1281C>T (p.Ser427=)

Gene: TBX5 (T-box transcription factor 5; minus strand). Cytogenetic location: 12q24.21.
Variant type: single nucleotide variant.
Coding change: c.1281C>T on transcript NM_181486.4 (MANE Select); coding-DNA position 1281, C replaced by T.
Protein change: p.Ser427=; no amino-acid change (serine 427 retained).
Molecular consequence: synonymous variant.
Genome position (GRCh38, 1-based): chr12:114,355,808, G>A on the plus strand (C>T on the coding strand, the complement: TBX5 is on the minus strand). VCF-style: chr12-114355808-G-A. GRCh37 (hg19) VCF-style: chr12-114793613-G-A.
Other names: c.1281C>T, p.Ser427= (NM_000192.3); c.1131C>T, p.Ser377= (NM_080717.4).
Identifiers: ClinVar variation 255491 (VCV000255491.25), dbSNP rs6489957, ClinGen allele CA6809366.